The following is an entry in ClinVar:

NM_000548.5(TSC2):c.2019G>A (p.Ala673=)

Gene: TSC2 (TSC complex subunit 2; plus strand). Cytogenetic location: 16p13.3.
Variant type: single nucleotide variant.
Coding change: c.2019G>A on transcript NM_000548.5 (MANE Select); coding-DNA position 2019, G replaced by A.
Protein change: p.Ala673=; no amino-acid change (alanine 673 retained).
Molecular consequence: synonymous variant.
Genome position (GRCh38, 1-based): chr16:2,071,856, G>A. VCF-style: chr16-2071856-G-A. GRCh37 (hg19) VCF-style: chr16-2121857-G-A.
Other names: c.2019G>A, p.Ala673= (NM_001077183.3, NM_001114382.3, NM_001363528.2 and 3 more transcripts); c.1908G>A, p.Ala636= (NM_001318827.2); c.1872G>A, p.Ala624= (NM_001318829.2); c.1419G>A, p.Ala473= (NM_001318831.2); c.2052G>A, p.Ala684= (NM_001318832.2).
Identifiers: ClinVar variation 388343 (VCV000388343.21), dbSNP rs772993105, ClinGen allele CA035728.

ClinVar aggregate classification (germline): Benign/Likely benign. Review status: criteria provided, multiple submitters, no conflicts (2 of 4 stars). 7 submissions from 7 submitters: Benign (2); Likely benign (5). Last evaluated 2025-11-25.

Conditions:
Tuberous sclerosis 2 (TSC2). Identifiers: Orphanet 805, MedGen C1860707, MONDO:0013199, OMIM 613254.
Hereditary cancer-predisposing syndrome. Also called: Neoplastic Syndromes, Hereditary; Hereditary neoplastic syndrome; Tumor predisposition; Hereditary Cancer Syndrome. Identifiers: Orphanet 140162, MedGen C0027672, MeSH D009386, MONDO:0015356.
Tuberous sclerosis syndrome (TSC). Also called: Tuberous sclerosis; Tuberous Sclerosis Complex. Identifiers: Orphanet 805, MedGen C0041341, MONDO:0001734.

Allele frequency attached by ClinVar (database versions not stated): gnomAD exomes 0.00001; TOPMed 0.00001; gnomAD 0.00003; ExAC 0.00007.

Submissions (7):

Labcorp Genetics (formerly Invitae), Labcorp
Classification: Likely benign for Tuberous sclerosis 2. Last evaluated: 2025-11-25. Review status: criteria provided, single submitter. Criteria: Invitae Variant Classification Sherloc (09022015). Collection method: clinical testing. Allele origin: germline.

Myriad Genetics, Inc.
Classification: Benign for Tuberous sclerosis 2. Last evaluated: 2025-05-16. Review status: criteria provided, single submitter. Criteria: Myriad Autosomal Dominant, Autosomal Recessive and X-Linked Classification Criteria (2023). Collection method: clinical testing. Allele origin: unknown.
Comment: This variant is considered benign. This variant is a silent/synonymous amino acid change and it is not expected to impact splicing.

All of Us Research Program, National Institutes of Health
Classification: Likely benign for Tuberous sclerosis syndrome. Last evaluated: 2023-06-08. Review status: criteria provided, single submitter. Criteria: ACMG Guidelines, 2015. Collection method: clinical testing. Allele origin: germline. Inheritance: Autosomal dominant inheritance. Observed: 3 variant alleles, 3 heterozygotes.
Comment: This study involves interpretation of variants in research participants for the purpose of population health screening. Participant phenotype was not available at the time of variant classification. Additional details can be found in publication PMID: 35346344, PMCID: PMC8962531

Color Diagnostics, LLC DBA Color Health
Classification: Likely benign for Tuberous sclerosis syndrome. Last evaluated: 2022-09-23. Review status: criteria provided, single submitter. Criteria: ACMG Guidelines, 2015. Collection method: clinical testing. Allele origin: germline.

Genome-Nilou Lab
Classification: Benign for Tuberous sclerosis 2. Last evaluated: 2021-11-07. Review status: criteria provided, single submitter. Criteria: ACMG Guidelines, 2015. Collection method: clinical testing. Allele origin: germline. Affected: no.

GeneDx
Classification: Likely benign. Last evaluated: 2019-01-28. Review status: criteria provided, single submitter. Criteria: GeneDx Variant Classification Process June 2021. Collection method: clinical testing. Allele origin: germline. Affected: yes.

Ambry Genetics
Classification: Likely benign for Hereditary cancer-predisposing syndrome. Last evaluated: 2018-01-19. Review status: criteria provided, single submitter. Criteria: Ambry Variant Classification Scheme 2023. Collection method: clinical testing. Allele origin: germline.